The following is an entry in ClinVar:

ClinVar aggregate classification (germline): Uncertain significance (1 of 4 stars; one submission).

Allele frequency attached by ClinVar (database versions not stated): TOPMed below 0.00001; gnomAD exomes 0.00002.

Submission:

CeGaT Center for Human Genetics Tuebingen
Classification: Uncertain significance. Last evaluated: 2024-01-01. Review status: criteria provided, single submitter. Criteria: CeGaT Center For Human Genetics Tuebingen Variant Classification Criteria Version 2. Collection method: clinical testing. Allele origin: germline. Affected: yes. Observed: 1 variant allele.
Comment: PKLR: PM2

NM_000298.6(PKLR):c.70G>A (p.Ala24Thr)

Gene: PKLR (pyruvate kinase L/R; minus strand). Cytogenetic location: 1q22.
Variant type: single nucleotide variant.
Coding change: c.70G>A on transcript NM_000298.6 (MANE Select); coding-DNA position 70, G replaced by A.
Protein change: p.Ala24Thr; replaces alanine 24 with threonine.
Molecular consequence: missense variant.
Genome position (GRCh38, 1-based): chr1:155,301,326, C>T on the plus strand (G>A on the coding strand, the complement: PKLR is on the minus strand). VCF-style: chr1-155301326-C-T. GRCh37 (hg19) VCF-style: chr1-155271117-C-T.
Other names: short protein forms A24T.
Identifiers: ClinVar variation 3026512 (VCV003026512.22), dbSNP rs754783713, ClinGen allele CA30910008.